The following is an entry in ClinVar:

NM_001458.5(FLNC):c.1525C>T (p.Leu509Phe)

Gene: FLNC (filamin C; plus strand). Cytogenetic location: 7q32.1.
Variant type: single nucleotide variant.
Coding change: c.1525C>T on transcript NM_001458.5 (MANE Select); coding-DNA position 1525, C replaced by T.
Protein change: p.Leu509Phe; replaces leucine 509 with phenylalanine.
Molecular consequence: missense variant.
Genome position (GRCh38, 1-based): chr7:128,840,136, C>T. VCF-style: chr7-128840136-C-T. GRCh37 (hg19) VCF-style: chr7-128480190-C-T.
Other names: c.1525C>T, p.Leu509Phe (NM_001127487.2); short protein forms L509F.
Identifiers: ClinVar variation 2925738 (VCV002925738.3), dbSNP rs2536624895, ClinGen allele CA369225829.

ClinVar aggregate classification (germline): Uncertain significance (1 of 4 stars; one submission).

Conditions:
Myofibrillar myopathy 5. Also called: Filaminopathy (type); FILAMINOPATHY, AUTOSOMAL DOMINANT. Identifiers: Orphanet 171445, MedGen C1836050, MONDO:0012289, OMIM 609524.
Hypertrophic cardiomyopathy 26. Also called: Cardiomyopathy, familial hypertrophic, 26. Identifiers: Orphanet 75249, MedGen C4310749, MONDO:0014883, OMIM 617047.
Distal myopathy with posterior leg and anterior hand involvement. Also called: WILLIAMS DISTAL MYOPATHY. Identifiers: Orphanet 63273, MedGen C3279722, MONDO:0013550, OMIM 614065.

Allele frequency attached by ClinVar (database versions not stated): gnomAD exomes below 0.00001.
gnomAD v4.1: 1 of 1,614,012 alleles (0.000062%); highest among the groups gnomAD compares: Non-Finnish European, 0.000085%; no homozygotes.

Submission:

Labcorp Genetics (formerly Invitae), Labcorp
Classification: Uncertain significance for Distal myopathy with posterior leg and anterior hand involvement; Myofibrillar myopathy 5; Hypertrophic cardiomyopathy 26. Last evaluated: 2023-05-17. Review status: criteria provided, single submitter. Criteria: Invitae Variant Classification Sherloc (09022015). Collection method: clinical testing. Allele origin: germline.
Comment: This sequence change replaces leucine, which is neutral and non-polar, with phenylalanine, which is neutral and non-polar, at codon 509 of the FLNC protein (p.Leu509Phe). This variant is not present in population databases (gnomAD no frequency). This variant has not been reported in the literature in individuals affected with FLNC-related conditions. Advanced modeling of protein sequence and biophysical properties (such as structural, functional, and spatial information, amino acid conservation, physicochemical variation, residue mobility, and thermodynamic stability) has been performed at Invitae for this missense variant, however the output from this modeling did not meet the statistical confidence thresholds required to predict the impact of this variant on FLNC protein function. In summary, the available evidence is currently insufficient to determine the role of this variant in disease. Therefore, it has been classified as a Variant of Uncertain Significance.